The following is an entry in ClinVar:

NM_004369.4(COL6A3):c.1538G>A (p.Arg513Gln)

Gene: COL6A3 (collagen type VI alpha 3 chain; minus strand). Cytogenetic location: 2q37.3.
Variant type: single nucleotide variant.
Coding change: c.1538G>A on transcript NM_004369.4 (MANE Select); coding-DNA position 1538, G replaced by A.
Protein change: p.Arg513Gln; replaces arginine 513 with glutamine.
Molecular consequence: missense variant.
Genome position (GRCh38, 1-based): chr2:237,381,274, C>T on the plus strand (G>A on the coding strand, the complement: COL6A3 is on the minus strand). VCF-style: chr2-237381274-C-T. GRCh37 (hg19) VCF-style: chr2-238289917-C-T.
Other names: c.317G>A, p.Arg106Gln (NM_057164.5, NM_057166.5); c.920G>A, p.Arg307Gln (NM_057165.5, NM_057167.4); short protein forms R513Q, R307Q, R106Q.
Identifiers: ClinVar variation 288877 (VCV000288877.32), dbSNP rs139498556, ClinGen allele CA2189602.

ClinVar aggregate classification (germline): Conflicting classifications of pathogenicity. Review status: criteria provided, conflicting classifications (1 of 4 stars). 9 submissions from 9 submitters: Uncertain significance (5); Benign (1); Likely benign (1). 2 of the submissions do not count toward it. Last evaluated 2026-03-01.

Conditions:
COL6A3-related disorder. Also called: COL6A3-related disorders; COL6A3-related condition.
Collagen 6-related myopathy. Identifiers: MedGen CN117976, MONDO:0100225.
Bethlem myopathy 1A. Also called: Bethlem myopathy 1; Bethlem Muscular Dystrophy; MYOPATHY, BENIGN CONGENITAL, WITH CONTRACTURES. Identifiers: Orphanet 610, MedGen CN029274, MONDO:0024530, OMIM 158810.

Allele frequency attached by ClinVar (database versions not stated): gnomAD 0.00021 and 0.00024; TOPMed 0.00023; gnomAD exomes 0.00025 and 0.00039; ESP Exome Variant Server 0.00038; ExAC 0.00053.

Submissions (9):

CeGaT Center for Human Genetics Tuebingen
Classification: Uncertain significance. Last evaluated: 2026-03-01. Review status: criteria provided, single submitter. Criteria: CeGaT Center For Human Genetics Tuebingen Variant Classification Criteria Version 2. Collection method: clinical testing. Allele origin: germline. Affected: yes. Observed: 2 variant alleles.
Comment: COL6A3: PM2, BP4

PreventionGenetics, part of Exact Sciences
Classification: Uncertain significance for COL6A3-related condition. Last evaluated: 2026-02-05. Review status: criteria provided, single submitter. Criteria: ACMG Guidelines, 2015. Collection method: clinical testing. Allele origin: germline.
Comment: The COL6A3 c.1538G>A variant is predicted to result in the amino acid substitution p.Arg513Gln. To our knowledge, this variant has not been reported in the literature. This variant is reported in 0.14% of alleles in individuals of Ashkenazi Jewish descent in gnomAD. At this time, the clinical significance of this variant is uncertain due to the absence of conclusive functional and genetic evidence.

Labcorp Genetics (formerly Invitae), Labcorp
Classification: Likely benign for Bethlem myopathy 1A. Last evaluated: 2026-01-14. Review status: criteria provided, single submitter. Criteria: Invitae Variant Classification Sherloc (09022015). Collection method: clinical testing. Allele origin: germline.

GeneDx
Classification: Uncertain significance. Last evaluated: 2025-11-02. Review status: criteria provided, single submitter. Criteria: GeneDx Variant Classification Process June 2021. Collection method: clinical testing. Allele origin: germline. Affected: yes.
Comment: In silico analysis suggests that this missense variant does not alter protein structure/function; Has not been previously published as pathogenic or benign to our knowledge; This variant is associated with the following publications: (PMID: 30564623)

Revvity Omics, Revvity
Classification: Uncertain significance. Last evaluated: 2019-05-23. Review status: criteria provided, single submitter. Criteria: ACMG Guidelines, 2015. Collection method: clinical testing. Allele origin: germline.

Illumina Laboratory Services, Illumina
Classification: Benign for Collagen VI-related myopathy. Last evaluated: 2018-01-12. Review status: criteria provided, single submitter. Criteria: ICSL Variant Classification Criteria 13 December 2019. Collection method: clinical testing. Allele origin: germline.
Comment: This variant was observed in the ICSL laboratory as part of a predisposition screen in an ostensibly healthy population. It had not been previously curated by ICSL or reported in the Human Gene Mutation Database (HGMD: prior to June 1st, 2018), and was therefore a candidate for classification through an automated scoring system. Utilizing variant allele frequency, disease prevalence and penetrance estimates, and inheritance mode, an automated score was calculated to assess if this variant is too frequent to cause the disease. Based on the score and internal cut-off values, a variant classified as benign is not then subjected to further curation. The score for this variant resulted in a classification of benign for this disease.

Eurofins Ntd Llc (ga)
Classification: Uncertain significance. Last evaluated: 2017-10-02. Review status: criteria provided, single submitter. Criteria: EGL Classification Definitions 2015. Collection method: clinical testing. Allele origin: germline. Observed: 8 variant alleles, 8 heterozygotes.

Clinical Genetics DNA and cytogenetics Diagnostics Lab, Erasmus MC, Erasmus Medical Center
Classification: Uncertain significance. Review status: no assertion criteria provided. Collection method: clinical testing. Allele origin: germline. Affected: yes. Study: VKGL Data-share Consensus. Not counted in ClinVar's aggregate classification.

Laboratory of Diagnostic Genome Analysis, Leiden University Medical Center (LUMC)
Classification: Uncertain significance. Review status: no assertion criteria provided. Collection method: clinical testing. Allele origin: germline. Affected: yes. Study: VKGL Data-share Consensus. Not counted in ClinVar's aggregate classification.